The following is an entry in ClinVar:

NM_001267550.2(TTN):c.83317T>G (p.Leu27773Val)

Genes: TTN-AS1 (TTN antisense RNA 1; plus strand), TTN (titin; minus strand). Cytogenetic location: 2q31.2.
Variant type: single nucleotide variant.
Coding change: c.83317T>G on transcript NM_001267550.2 (MANE Select); coding-DNA position 83317, T replaced by G.
Protein change: p.Leu27773Val; replaces leucine 27773 with valine.
Molecular consequence: missense variant.
Genome position (GRCh38, 1-based): chr2:178,562,815, A>C on the plus strand (T>G on the coding strand, the complement: TTN is on the minus strand). VCF-style: chr2-178562815-A-C. GRCh37 (hg19) VCF-style: chr2-179427542-A-C.
Other names: c.78394T>G, p.Leu26132Val (NM_001256850.1); c.56122T>G, p.Leu18708Val (NM_003319.4); c.75613T>G, p.Leu25205Val (NM_133378.4); c.56497T>G, p.Leu18833Val (NM_133432.3); c.56698T>G, p.Leu18900Val (NM_133437.4); short protein forms L27773V, L18900V, L18708V, L18833V, L25205V, L26132V.
Identifiers: ClinVar variation 566233 (VCV000566233.8), dbSNP rs376683928, ClinGen allele CA349568321.

ClinVar aggregate classification (germline): Uncertain significance (1 of 4 stars; one submission).

Conditions:
Dilated cardiomyopathy 1G (CMD1G). Identifiers: Orphanet 154, MedGen C1858763, MONDO:0011400, OMIM 604145.
Autosomal recessive limb-girdle muscular dystrophy type 2J (LGMDR10). Also called: MUSCULAR DYSTROPHY, LIMB-GIRDLE, AUTOSOMAL RECESSIVE 10; Limb-girdle muscular dystrophy, type 2J. Identifiers: Orphanet 140922, MedGen C1837342, MONDO:0012127, OMIM 608807.

gnomAD v4.1: 2 of 1,613,124 alleles (0.00012%); highest among the groups gnomAD compares: Non-Finnish European, 0.00017%; no homozygotes.

Submission:

Labcorp Genetics (formerly Invitae), Labcorp
Classification: Uncertain significance for Dilated cardiomyopathy 1G; Autosomal recessive limb-girdle muscular dystrophy type 2J. Last evaluated: 2018-07-21. Review status: criteria provided, single submitter. Criteria: Invitae Variant Classification Sherloc (09022015). Collection method: clinical testing. Allele origin: germline.
Comment: This sequence change replaces leucine with valine at codon 27773 of the TTN protein (p.Leu27773Val). There is a small physicochemical difference between leucine and valine. This variant is not present in population databases (ExAC no frequency). This variant has not been reported in the literature in individuals with TTN-related disease. This variant is located in the A band of TTN (PMID: 25589632). Variants in this region may be relevant for cardiac or neuromuscular disorders (PMID: 25589632, 23975875). Algorithms developed to predict the effect of missense changes on protein structure and function are unavailable for the TTN gene. Algorithms developed to predict the effect of sequence changes on RNA splicing suggest that this variant may create or strengthen a splice site, but this prediction has not been confirmed by published transcriptional studies. In summary, the available evidence is currently insufficient to determine the role of this variant in disease. Therefore, it has been classified as a Variant of Uncertain Significance.

Literature cited by the submitters: PubMed 25589632; PubMed 23975875.